The following is an entry in ClinVar:

ClinVar aggregate classification (germline): Uncertain significance (1 of 4 stars; one submission).

Allele frequency attached by ClinVar (database versions not stated): gnomAD exomes below 0.00001; gnomAD 0.00003; TOPMed 0.00005.
gnomAD v4.1: 6 of 1,554,578 alleles (0.00039%); highest among the groups gnomAD compares: African/African-American, 0.0082%; no homozygotes.

Submission:

Labcorp Genetics (formerly Invitae), Labcorp
Classification: Uncertain significance. Last evaluated: 2023-09-24. Review status: criteria provided, single submitter. Criteria: Invitae Variant Classification Sherloc (09022015). Collection method: clinical testing. Allele origin: germline.
Comment: In summary, the available evidence is currently insufficient to determine the role of this variant in disease. Therefore, it has been classified as a Variant of Uncertain Significance. An algorithm developed to predict the effect of missense changes on protein structure and function (PolyPhen-2) suggests that this variant is likely to be tolerated. This variant has not been reported in the literature in individuals affected with DLL1-related conditions. The frequency data for this variant in the population databases is considered unreliable, as metrics indicate poor data quality at this position in the gnomAD database. This sequence change replaces lysine, which is basic and polar, with glutamine, which is neutral and polar, at codon 35 of the DLL1 protein (p.Lys35Gln).

NM_005618.4(DLL1):c.103A>C (p.Lys35Gln)

Gene: DLL1 (delta like canonical Notch ligand 1; minus strand). Cytogenetic location: 6q27.
Variant type: single nucleotide variant.
Coding change: c.103A>C on transcript NM_005618.4 (MANE Select); coding-DNA position 103, A replaced by C.
Protein change: p.Lys35Gln; replaces lysine 35 with glutamine.
Molecular consequence: missense variant.
Genome position (GRCh38, 1-based): chr6:170,289,760, T>G on the plus strand (A>C on the coding strand, the complement: DLL1 is on the minus strand). VCF-style: chr6-170289760-T-G. GRCh37 (hg19) VCF-style: chr6-170598848-T-G.
Other names: short protein forms K35Q.
Identifiers: ClinVar variation 2906911 (VCV002906911.3), dbSNP rs759669321, ClinGen allele CA4107207.